The following is an entry in ClinVar:

NM_004863.4(SPTLC2):c.1576A>G (p.Lys526Glu)

Gene: SPTLC2 (serine palmitoyltransferase long chain base subunit 2; minus strand). Cytogenetic location: 14q24.3.
Variant type: single nucleotide variant.
Coding change: c.1576A>G on transcript NM_004863.4 (MANE Select); coding-DNA position 1576, A replaced by G.
Protein change: p.Lys526Glu; replaces lysine 526 with glutamic acid.
Molecular consequence: missense variant.
Genome position (GRCh38, 1-based): chr14:77,512,397, T>C on the plus strand (A>G on the coding strand, the complement: SPTLC2 is on the minus strand). VCF-style: chr14-77512397-T-C. GRCh37 (hg19) VCF-style: chr14-77978740-T-C.
Other names: short protein forms K526E.
Identifiers: ClinVar variation 1352627 (VCV001352627.6), dbSNP rs1162872465, ClinGen allele CA390699142.

ClinVar aggregate classification (germline): Uncertain significance (1 of 4 stars; one submission).

Conditions:
Neuropathy, hereditary sensory and autonomic, type 1C. Also called: HSAN IC; HSN IC. Identifiers: Orphanet 36386, MedGen C3150896, MONDO:0013337, OMIM 613640.

Allele frequency attached by ClinVar (database versions not stated): TOPMed below 0.00001.

Submission:

Labcorp Genetics (formerly Invitae), Labcorp
Classification: Uncertain significance for Neuropathy, hereditary sensory and autonomic, type 1C. Last evaluated: 2021-09-04. Review status: criteria provided, single submitter. Criteria: Invitae Variant Classification Sherloc (09022015). Collection method: clinical testing. Allele origin: germline.
Comment: In summary, the available evidence is currently insufficient to determine the role of this variant in disease. Therefore, it has been classified as a Variant of Uncertain Significance. Algorithms developed to predict the effect of missense changes on protein structure and function (SIFT, PolyPhen-2, Align-GVGD) all suggest that this variant is likely to be tolerated. This variant has not been reported in the literature in individuals affected with SPTLC2-related conditions. This variant is not present in population databases (ExAC no frequency). This sequence change replaces lysine with glutamic acid at codon 526 of the SPTLC2 protein (p.Lys526Glu). The lysine residue is moderately conserved and there is a small physicochemical difference between lysine and glutamic acid.